The following is an entry in ClinVar:

NM_020163.3(SEMA3G):c.993_994insT (p.Val332fs)

Gene: SEMA3G (semaphorin 3G; minus strand). Cytogenetic location: 3p21.1.
Variant type: Insertion.
Coding change: c.993_994insT on transcript NM_020163.3 (MANE Select); coding-DNA positions 993 to 994, T inserted.
Protein change: p.Val332fs; shifts the reading frame from valine 332.
Molecular consequence: frameshift variant.
Genome position: GRCh38 VCF-style: chr3-52440758-C-CA. GRCh37 (hg19) VCF-style: chr3-52474774-C-CA.
Other names: short protein forms V332fs.
Identifiers: ClinVar variation 3036506 (VCV003036506.2), dbSNP rs1471418331, ClinGen allele CA543057248.

ClinVar aggregate classification (germline): Uncertain significance (0 of 4 stars; one submission).

Conditions:
SEMA3G-related disorder. Also called: SEMA3G-related condition.

Allele frequency attached by ClinVar (database versions not stated): gnomAD 0.00001; TOPMed 0.00001; gnomAD exomes 0.00003.

Submission:

PreventionGenetics, part of Exact Sciences
Classification: Uncertain significance for SEMA3G-related condition. Last evaluated: 2024-01-29. Review status: no assertion criteria provided. Collection method: clinical testing. Allele origin: germline.
Comment: The SEMA3G c.993_994insT variant is predicted to result in a frameshift and premature protein termination (p.Val332Cysfs*72). To our knowledge, this variant has not been reported in the literature. This variant is reported in 0.0018% of alleles in individuals of European (non-Finnish) descent in gnomAD. Loss-of-function has not been established as a disease mechanism for this gene, and therefore the clinical significance of this variant is currently uncertain due to the absence of conclusive functional and genetic evidence.